The following is an entry in ClinVar:

NM_018979.4(WNK1):c.4328C>G (p.Ser1443Cys)

Gene: WNK1 (WNK lysine deficient protein kinase 1; plus strand). Cytogenetic location: 12p13.33.
Variant type: single nucleotide variant.
Coding change: c.4328C>G on transcript NM_018979.4 (MANE Select); coding-DNA position 4328, C replaced by G.
Protein change: p.Ser1443Cys; replaces serine 1443 with cysteine.
Molecular consequence: missense variant.
Genome position (GRCh38, 1-based): chr12:885,132, C>G. VCF-style: chr12-885132-C-G. GRCh37 (hg19) VCF-style: chr12-994298-C-G.
Other names: c.5108C>G, p.Ser1703Cys (NM_001184985.2); c.3587C>G, p.Ser1196Cys (NM_014823.3); c.5084C>G, p.Ser1695Cys (NM_213655.5); short protein forms S1443C, S1695C, S1196C, S1703C.
Identifiers: ClinVar variation 574942 (VCV000574942.10), dbSNP rs372955308, ClinGen allele CA6382954.
Genomic context (GRCh38, chr12:885,132, plus strand): 5'-CAATATCTACTACATCCCCGTCACTTCAAGTCCCCACATCCACATCTGAGATCGTTGTTT[C>G]TAGTACAGCACTGTATCCTTCAGTAACAGTTTCAGCAACTTCAGCCTCTGCAGGGGGCAG-3'
Protein context (NP_061852.3, residues 1433-1453): VPTSTSEIVV[Ser1443Cys]STALYPSVTV

ClinVar aggregate classification (germline): Uncertain significance (1 of 4 stars; one submission).

Conditions:
Neuropathy, hereditary sensory and autonomic, type 2A (HSAN2A). Also called: HSAN IIA; ACROOSTEOLYSIS, GIACCAI TYPE; ACROOSTEOLYSIS, NEUROGENIC; WNK1-Related HSAN2 (HSAN2A); MORVAN DISEASE; NEUROPATHY, CONGENITAL SENSORY. Identifiers: Orphanet 970, MedGen C2752089, MONDO:0024309, OMIM 201300.
Pseudohypoaldosteronism type 2C (PHA2C). Also called: Pseudohypoaldosteronism Type IIC. Identifiers: Orphanet 757, Orphanet 88940, MedGen C1840391, MONDO:0013778, OMIM 614492.

Allele frequency attached by ClinVar (database versions not stated): ExAC 0.00001; TOPMed 0.00001; ESP Exome Variant Server 0.00008.
gnomAD v4.1: 1 of 1,614,224 alleles (0.000062%); highest among the groups gnomAD compares: Non-Finnish European, 0.000085%; no homozygotes.

Submission:

Labcorp Genetics (formerly Invitae), Labcorp
Classification: Uncertain significance for Neuropathy, hereditary sensory and autonomic, type 2A; Pseudohypoaldosteronism type 2C. Last evaluated: 2025-10-27. Review status: criteria provided, single submitter. Criteria: Invitae Variant Classification Sherloc (09022015). Collection method: clinical testing. Allele origin: germline.
Comment: This sequence change replaces serine, which is neutral and polar, with cysteine, which is neutral and slightly polar, at codon 1695 of the WNK1 protein (p.Ser1695Cys). This variant is not present in population databases (gnomAD no frequency). This variant has not been reported in the literature in individuals affected with WNK1-related conditions. ClinVar contains an entry for this variant (Variation ID: 574942). Invitae Evidence Modeling of protein sequence and biophysical properties (such as structural, functional, and spatial information, amino acid conservation, physicochemical variation, residue mobility, and thermodynamic stability) indicates that this missense variant is not expected to disrupt WNK1 protein function with a negative predictive value of 95%. In summary, the available evidence is currently insufficient to determine the role of this variant in disease. Therefore, it has been classified as a Variant of Uncertain Significance.